The following is an entry in ClinVar:

ClinVar aggregate classification (germline): Likely benign. Review status: criteria provided, multiple submitters, no conflicts (2 of 4 stars). 4 submissions from 4 submitters: Likely benign (4). Last evaluated 2026-05-13.

Conditions:
SOS2-related disorder. Also called: SOS2-related condition.
Noonan syndrome 9 (NS9). Identifiers: Orphanet 648, MedGen C4225282, MONDO:0014691, OMIM 616559.

Allele frequency attached by ClinVar (database versions not stated): ExAC 0.00001; gnomAD 0.00003; gnomAD exomes 0.00003 and 0.00006; TOPMed 0.00003.
gnomAD v4.1: 87 of 1,608,024 alleles (0.0054%); highest among the groups gnomAD compares: Non-Finnish European, 0.0072%; no homozygotes.

Submissions (4):

Women's Health and Genetics/Laboratory Corporation of America, LabCorp
Classification: Likely benign. Last evaluated: 2026-05-13. Review status: criteria provided, single submitter. Criteria: LabCorp Variant Classification Summary - May 2015. Collection method: clinical testing. Allele origin: germline.

Labcorp Genetics (formerly Invitae), Labcorp
Classification: Likely benign for Noonan syndrome 9. Last evaluated: 2026-02-02. Review status: criteria provided, single submitter. Criteria: Invitae Variant Classification Sherloc (09022015). Collection method: clinical testing. Allele origin: germline.

PreventionGenetics, part of Exact Sciences
Classification: Likely benign for SOS2-related condition. Last evaluated: 2025-05-23. Review status: criteria provided, single submitter. Criteria: ACMG Guidelines, 2015. Collection method: clinical testing. Allele origin: germline.
Comment: This variant is classified as likely benign based on ACMG/AMP sequence variant interpretation guidelines (Richards et al. 2015 PMID: 25741868, with internal and published modifications).

Blueprint Genetics
Classification: Likely benign. Last evaluated: 2021-11-19. Review status: criteria provided, single submitter. Criteria: ACMG Guidelines, 2015. Collection method: clinical testing. Allele origin: germline.

NM_006939.4(SOS2):c.1069-10T>C

Gene: SOS2 (SOS Ras/Rho guanine nucleotide exchange factor 2; minus strand). Cytogenetic location: 14q21.3.
Variant type: single nucleotide variant.
Coding change: c.1069-10T>C on transcript NM_006939.4 (MANE Select); 10 bases into the intron before coding-DNA position 1069, T replaced by C.
Molecular consequence: intron variant.
Genome position (GRCh38, 1-based): chr14:50,161,619, A>G on the plus strand (T>C on the coding strand, the complement: SOS2 is on the minus strand). VCF-style: chr14-50161619-A-G. GRCh37 (hg19) VCF-style: chr14-50628337-A-G.
Other names: c.1069-10T>C (NM_006939.3).
Identifiers: ClinVar variation 1547693 (VCV001547693.11), dbSNP rs201686942, ClinGen allele CA7177343.